The following is an entry in ClinVar:

ClinVar aggregate classification (germline): Benign/Likely benign. Review status: criteria provided, multiple submitters, no conflicts (2 of 4 stars). 3 submissions from 3 submitters: Benign (2); Likely benign (1). Last evaluated 2025-12-03.

Allele frequency attached by ClinVar (database versions not stated): gnomAD exomes 0.00016 and 0.00067; ExAC 0.00021; 1000 Genomes Project 0.00080; gnomAD 0.00152 and 0.00159; TOPMed 0.00158.

Submissions (3):

Labcorp Genetics (formerly Invitae), Labcorp
Classification: Benign. Last evaluated: 2025-12-03. Review status: criteria provided, single submitter. Criteria: Invitae Variant Classification Sherloc (09022015). Collection method: clinical testing. Allele origin: germline.

Blueprint Genetics
Classification: Likely benign. Last evaluated: 2022-09-15. Review status: criteria provided, single submitter. Criteria: ACMG Guidelines, 2015. Collection method: clinical testing. Allele origin: germline.

Laboratory for Molecular Medicine, Mass General Brigham Personalized Medicine
Classification: Benign. Last evaluated: 2018-02-10. Review status: criteria provided, single submitter. Criteria: LMM Criteria. Collection method: clinical testing. Allele origin: germline. Observed: 1 variant allele.
Comment: c.1629-6dupG in intron 13 of CEP78: This variant is not expected to have clinica l significance because it has been identified in 0.5% (133/25770) of Latino chro mosomes by the Genome Aggregation Database (gnomAD .org/; dbSNP rs542161202).

NM_001330691.3(CEP78):c.1626-6dup

Gene: CEP78 (centrosomal protein 78; plus strand). Cytogenetic location: 9q21.2.
Variant type: Duplication.
Coding change: c.1626-6dup on transcript NM_001330691.3 (MANE Select); 6 bases into the intron before coding-DNA position 1626, one base duplicated (G; older notation c.1626-6dupG).
Molecular consequence: intron variant.
Genome position (GRCh38, 1-based): chr9:78,265,366, G duplicated. VCF-style (leftmost placement, unchanged base first): chr9-78265365-C-CG. GRCh37 (hg19) VCF-style: chr9-80880281-C-CG.
Other names: c.1629-6dup (NM_001349839.2, NM_001349840.2, NM_001098802.3 and 1 more transcripts); c.1626-6dup (NM_001330693.3, NM_001349838.2, NM_001330694.2).
Identifiers: ClinVar variation 667043 (VCV000667043.13), dbSNP rs542161202, ClinGen allele CA5095322.